The following is an entry in ClinVar:

NM_016284.5(CNOT1):c.84C>T (p.Ser28=)

Gene: CNOT1 (CCR4-NOT transcription complex subunit 1; minus strand). Cytogenetic location: 16q21.
Variant type: single nucleotide variant.
Coding change: c.84C>T on transcript NM_016284.5 (MANE Select); coding-DNA position 84, C replaced by T.
Protein change: p.Ser28=; no amino-acid change (serine 28 retained).
Molecular consequence: synonymous variant. On other transcripts: non-coding transcript variant (1).
Genome position (GRCh38, 1-based): chr16:58,599,254, G>A on the plus strand (C>T on the coding strand, the complement: CNOT1 is on the minus strand). VCF-style: chr16-58599254-G-A. GRCh37 (hg19) VCF-style: chr16-58633158-G-A.
Other names: c.84C>T, p.Ser28= (NM_001265612.2, NM_206999.3).
Identifiers: ClinVar variation 2064624 (VCV002064624.7), dbSNP rs145809659, ClinGen allele CA8090299.

ClinVar aggregate classification (germline): Benign/Likely benign. Review status: criteria provided, multiple submitters, no conflicts (2 of 4 stars). 3 submissions from 3 submitters: Benign (1); Likely benign (2). Last evaluated 2026-05-01.

Allele frequency attached by ClinVar (database versions not stated): ESP Exome Variant Server 0.00139; gnomAD 0.00181; ExAC 0.00182; TOPMed 0.00192; 1000 Genomes Project 30x 0.00312; 1000 Genomes Project 0.00359.
gnomAD v4.1: 1,035 of 1,614,016 alleles (0.064%); highest among the groups gnomAD compares: East Asian, 1%; 4 homozygotes.

Submissions (3):

CeGaT Center for Human Genetics Tuebingen
Classification: Likely benign. Last evaluated: 2026-05-01. Review status: criteria provided, single submitter. Criteria: CeGaT Center For Human Genetics Tuebingen Variant Classification Criteria Version 2. Collection method: clinical testing. Allele origin: germline. Affected: yes. Observed: 1 variant allele.
Comment: CNOT1: BP4, BS1

Labcorp Genetics (formerly Invitae), Labcorp
Classification: Benign. Last evaluated: 2025-12-31. Review status: criteria provided, single submitter. Criteria: Invitae Variant Classification Sherloc (09022015). Collection method: clinical testing. Allele origin: germline.

Blueprint Genetics
Classification: Likely benign. Last evaluated: 2024-09-18. Review status: criteria provided, single submitter. Criteria: ACMG Guidelines, 2015. Collection method: clinical testing. Allele origin: germline.